The following is an entry in ClinVar:

ClinVar aggregate classification (germline): Likely benign (1 of 4 stars; one submission).

Allele frequency attached by ClinVar (database versions not stated): 1000 Genomes Project 30x 0.00062; 1000 Genomes Project 0.00080; ExAC 0.00136; ESP Exome Variant Server 0.00146; gnomAD 0.00151; TOPMed 0.00156; gnomAD exomes 0.00268.
gnomAD v4.1: 3,737 of 1,483,480 alleles (0.25%); highest among the groups gnomAD compares: Non-Finnish European, 0.33%; 8 homozygotes.

Submission:

CeGaT Center for Human Genetics Tuebingen
Classification: Likely benign. Last evaluated: 2024-11-01. Review status: criteria provided, single submitter. Criteria: CeGaT Center For Human Genetics Tuebingen Variant Classification Criteria Version 2. Collection method: clinical testing. Allele origin: germline. Affected: yes. Observed: 3 variant alleles.
Comment: SMARCA4: BS1

NM_003072.5(SMARCA4):c.3168+33C>T

Gene: SMARCA4 (SWI/SNF related BAF chromatin remodeling complex subunit ATPase 4; plus strand). Cytogenetic location: 19p13.2.
Variant type: single nucleotide variant.
Coding change: c.3168+33C>T on transcript NM_003072.5 (MANE Select); 33 bases into the intron after coding-DNA position 3168, C replaced by T.
Molecular consequence: intron variant.
Genome position (GRCh38, 1-based): chr19:11,025,541, C>T. VCF-style: chr19-11025541-C-T. GRCh37 (hg19) VCF-style: chr19-11136217-C-T.
Other names: c.3168+33C>T (NM_001128844.3, NM_001128849.3, NM_001128847.4 and 6 more transcripts).
Identifiers: ClinVar variation 2649311 (VCV002649311.24), dbSNP rs199539882, ClinGen allele CA9204345.